The following is an entry in ClinVar:

ClinVar aggregate classification (germline): Likely pathogenic (1 of 4 stars; one submission).

Conditions:
Glycogen storage disease, type II (IOPD). Also called: Pompe Disease; CARDIOMEGALIA GLYCOGENICA DIFFUSA; GLYCOGENOSIS, GENERALIZED, CARDIAC FORM; GSD II; POMPE DISEASE, INFANTILE-ONSET; GLYCOGEN STORAGE DISEASE II, INFANTILE-ONSET. Identifiers: Orphanet 365, MedGen C0017921, MONDO:0009290, OMIM 232300.

Submission:

Genomenon, Inc
Classification: Likely pathogenic for Glycogen storage disease, type II. Last evaluated: 2026-07-01. Review status: criteria provided, single submitter. Criteria: Genomenon Sequence Variant Interpretation Standards - Updated. Collection method: curation. Allele origin: germline. Affected: yes.
Comment: GAA p.Gly293Trp (c.877G>T) is a missense variant that changes the amino acid at codon 293 from Glycine to Tryptophan. This variant has been observed in at least one proband with a GAA-related disorder in the compound heterozygous and/or homozygous state (PMID:36105079). The presence of pathogenic/likely pathogenic missense variant(s) at the same amino acid position indicates that this residue is likely important for protein function. It is absent or not present at a significant frequency in gnomAD. In silico models predict that this variant is possibly or probably damaging. In conclusion, we classify GAA p.Gly293Trp (c.877G>T) as a likely pathogenic variant.

Literature cited by the submitters: PubMed 36105079.

NM_000152.5(GAA):c.877G>T (p.Gly293Trp)

Gene: GAA (alpha glucosidase; plus strand). Cytogenetic location: 17q25.3.
Variant type: single nucleotide variant.
Coding change: c.877G>T on transcript NM_000152.5 (MANE Select); coding-DNA position 877, G replaced by T.
Protein change: p.Gly293Trp; replaces glycine 293 with tryptophan.
Molecular consequence: missense variant.
Genome position (GRCh38, 1-based): chr17:80,107,818, G>T. VCF-style: chr17-80107818-G-T. GRCh37 (hg19) VCF-style: chr17-78081617-G-T.
Other names: c.877G>T, p.Gly293Trp (NM_001079803.3, NM_001079804.3, NM_001406741.1 and 1 more transcripts); short protein forms G293W.
Identifiers: ClinVar variation 4876505 (VCV004876505.1).